The following is an entry in ClinVar:

ClinVar aggregate classification (germline): Likely benign (0 of 4 stars; one submission).

Conditions:
ZNF668-related disorder. Also called: ZNF668-related condition.

Allele frequency attached by ClinVar (database versions not stated): 1000 Genomes Project 30x 0.00187; 1000 Genomes Project 0.00200; gnomAD 0.00441; TOPMed 0.00469; ExAC 0.00636; gnomAD exomes 0.00671.

Submission:

PreventionGenetics, part of Exact Sciences
Classification: Likely benign for ZNF668-related condition. Last evaluated: 2020-01-03. Review status: no assertion criteria provided. Collection method: clinical testing. Allele origin: germline.
Comment: This variant is classified as likely benign based on ACMG/AMP sequence variant interpretation guidelines (Richards et al. 2015 PMID: 25741868, with internal and published modifications).

NM_024706.5(ZNF668):c.-22-107G>A

Gene: ZNF668 (zinc finger protein 668; minus strand). Cytogenetic location: 16p11.2.
Variant type: single nucleotide variant.
Coding change: c.-22-107G>A on transcript NM_024706.5 (MANE Select); 107 bases into the intron before 22 bases upstream of the start codon, G replaced by A.
Molecular consequence: intron variant. On other transcripts: missense variant (1).
Genome position (GRCh38, 1-based): chr16:31,064,588, C>T on the plus strand (G>A on the coding strand, the complement: ZNF668 is on the minus strand). VCF-style: chr16-31064588-C-T. GRCh37 (hg19) VCF-style: chr16-31075909-C-T.
Other names: c.31G>A, p.Asp11Asn (NM_001172669.2); c.-22-107G>A (NM_001172668.2, NM_001172670.2); short protein forms D11N.
Identifiers: ClinVar variation 3042322 (VCV003042322.2), dbSNP rs61750978, ClinGen allele CA8019349.